The following is an entry in ClinVar:

NM_000175.5(GPI):c.1336C>T (p.Arg446Ter)

Gene: GPI (glucose-6-phosphate isomerase; plus strand). Cytogenetic location: 19q13.11.
Variant type: single nucleotide variant.
Coding change: c.1336C>T on transcript NM_000175.5 (MANE Select); coding-DNA position 1336, C replaced by T.
Protein change: p.Arg446Ter; replaces arginine 446 with a stop codon.
Molecular consequence: nonsense.
Genome position (GRCh38, 1-based): chr19:34,399,273, C>T. VCF-style: chr19-34399273-C-T. GRCh37 (hg19) VCF-style: chr19-34890178-C-T.
Other names: c.1336C>T (NM_000175.3); c.1453C>T, p.Arg485Ter (NM_001289789.1); c.1252C>T, p.Arg418Ter (NM_001289790.3); c.1336C>T, p.Arg446Ter (NM_001329909.1, NM_001329910.1); c.1309C>T, p.Arg437Ter (NM_001329911.2); c.1369C>T, p.Arg457Ter (NM_001184722.1); short protein forms R446*, R457*, R418*, R437*, R485*.
Identifiers: ClinVar variation 504899 (VCV000504899.10), dbSNP rs774419705, ClinGen allele CA307634094.
Genomic context (GRCh38, chr19:34,399,273, plus strand): 5'-CTGGCCAACTTCTTGGCCCAGACAGAGGCCCTGATGAGGGGAAAATCGACGGAGGAGGCC[C>T]GAAAGGAGCTCCAGGCTGCGGGCAAGAGTCCAGAGGACCTTGAGAGGCTGCTGCCACATA-3'

ClinVar aggregate classification (germline): Pathogenic/Likely pathogenic. Review status: criteria provided, multiple submitters, no conflicts (2 of 4 stars). 4 submissions from 4 submitters: Pathogenic (3); Likely pathogenic (1). Last evaluated 2026-08-06.

Conditions:
Hemolytic anemia due to glucophosphate isomerase deficiency (CNSHA4). Also called: ANEMIA, CONGENITAL, NONSPHEROCYTIC HEMOLYTIC, 4. Identifiers: Orphanet 712, MedGen C0272064, MONDO:0013275, OMIM 613470.

Allele frequency attached by ClinVar (database versions not stated): gnomAD exomes below 0.00001; gnomAD 0.00003 and 0.00004; TOPMed 0.00003.
gnomAD v4.1: 23 of 1,613,864 alleles (0.0014%); highest among the groups gnomAD compares: Admixed American, 0.0033%; no homozygotes.

Submissions (4):

OLLIN Analises Genomicas, OLLIN
Classification: Pathogenic for Hemolytic anemia due to glucophosphate isomerase deficiency. Last evaluated: 2026-08-06. Review status: criteria provided, single submitter. Criteria: ACMG Guidelines 2015 PMID 25741868. Collection method: clinical testing. Allele origin: germline. Inheritance: Autosomal recessive inheritance.
Comment: This nonsense variant, located in exon 15 (of 18), has been reported in ClinVar (accession VCV000504899.9) and in gnomAD with an allele frequency of 0.0014%. However, to our knowledge, it has not been reported in the scientific literature. This variant introduces a premature stop codon, which is predicted to result in either a truncated protein or degradation of the mRNA via nonsense-mediated decay (NMD). According to the currently available evidence, this variant has been classified as pathogenic (PVS1, PM2_P, PM3).

Dasa
Classification: Pathogenic. Last evaluated: 2025-04-10. Review status: criteria provided, single submitter. Criteria: DASA Assertion Criteria. Collection method: clinical testing. Allele origin: germline.
Comment: NM_000175.5(GPI):c.1336C>T (p.Arg446*) introduces a premature termination codon predicted to result in loss of normal protein function. Loss-of-function is an established mechanism of disease for this gene. This variant has been reported in individuals with related phenotype (PMID: 24166850). The variant is present at low frequency in population datasets. Based on the available data, this variant is classified as pathogenic.

Revvity Omics, Revvity
Classification: Pathogenic for Hemolytic anemia due to glucophosphate isomerase deficiency. Last evaluated: 2019-09-23. Review status: criteria provided, single submitter. Criteria: ACMG Guidelines, 2015. Collection method: clinical testing. Allele origin: germline.

Laboratory for Molecular Medicine, Mass General Brigham Personalized Medicine
Classification: Likely pathogenic for Hemolytic anemia, nonspherocytic, due to glucose phosphate isomerase deficiency. Last evaluated: 2016-03-28. Review status: criteria provided, single submitter. Criteria: LMM Criteria. Collection method: clinical testing. Allele origin: germline. Inheritance: Autosomal recessive inheritance. Observed: 1 variant allele.
Comment: The p.Arg457X variant in GPI has not been previously reported in individuals wit h glucosephosphate isomerase deficiency and was absent from large population stu dies. This nonsense variant leads to a premature termination codon at position 4 57 which is predicted to lead to a truncated or absent protein. Homozygous or co mpound heterozygous mutation in the GPI gene has been shown to cause non-spheroc ytic hemolytic anemia. In summary, although additional studies are required to f ully establish its clinical significance, the p.Arg457X variant is likely pathog enic.

Literature cited by the submitters: PubMed 24166850 (cited by Dasa).